The following is an entry in ClinVar:

ClinVar aggregate classification (germline): Benign. Review status: criteria provided, multiple submitters, no conflicts (2 of 4 stars). 4 submissions from 4 submitters: Benign (3). 1 of the submissions does not count toward it. Last evaluated 2021-07-08.

Conditions:
Fanconi anemia complementation group A (FANCA). Also called: Fanconi anemia, group A; FANCA-Related Fanconi Anemia. Identifiers: Orphanet 84, MedGen C3469521, MONDO:0009215, OMIM 227650.

Allele frequency attached by ClinVar (database versions not stated): gnomAD exomes 0.52262; ExAC 0.52271; gnomAD 0.53795 and 0.54474; TOPMed 0.55937; 1000 Genomes Project 30x 0.70581; 1000 Genomes Project 0.70647.
gnomAD v4.1: 737,290 of 1,604,774 alleles (46%); highest among the groups gnomAD compares: East Asian, 98%; 184,066 homozygotes.

Submissions (4):

Genome-Nilou Lab
Classification: Benign for Fanconi anemia complementation group A. Last evaluated: 2021-07-08. Review status: criteria provided, single submitter. Criteria: ACMG Guidelines, 2015. Collection method: clinical testing. Allele origin: germline. Affected: no.

GeneDx
Classification: Benign. Last evaluated: 2019-04-09. Review status: criteria provided, single submitter. Criteria: GeneDx Variant Classification Process June 2021. Collection method: clinical testing. Allele origin: germline. Affected: yes.

Breakthrough Genomics
Classification: Benign. Review status: criteria provided, single submitter. Criteria: ACMG Guidelines, 2015. Collection method: not provided. Allele origin: germline. Inheritance: Autosomal recessive inheritance. Affected: yes.

ITMI
No classification provided. Condition: AllHighlyPenetrant. Last evaluated: 2013-09-19. Review status: no classification provided. Collection method: reference population. Allele origin: germline. Not counted in ClinVar's aggregate classification.
Comment: Please see associated publication for description of ethnicities

Literature cited by the submitters: PubMed 24728327 (cited by ITMI).

NM_000135.4(FANCA):c.3934+55T>A

Genes: FANCA (FA complementation group A; minus strand), ZNF276 (zinc finger protein 276; plus strand). Cytogenetic location: 16q24.3.
Variant type: single nucleotide variant.
Coding change: c.3934+55T>A on transcript NM_000135.4 (MANE Select); 55 bases into the intron after coding-DNA position 3934, T replaced by A.
Molecular consequence: intron variant. On other transcripts: 3 prime UTR variant (2), non-coding transcript variant (4).
Genome position (GRCh38, 1-based): chr16:89,739,939, A>T on the plus strand (T>A on the coding strand, the complement: FANCA is on the minus strand). VCF-style: chr16-89739939-A-T. GRCh37 (hg19) VCF-style: chr16-89806347-A-T.
Other names: c.*1693A>T (NM_001113525.2, NM_152287.4); c.3934+55T>A (NM_001286167.3).
Identifiers: ClinVar variation 135541 (VCV000135541.8), dbSNP rs7195906, ClinGen allele CA162998.
Genomic context (GRCh38, chr16:89,739,939, plus strand): 5'-AGCTTATAAACTTACTTAGCAAGGAACCTCAAGGAGGGCTCGTTCTTAACCATTTGCAAG[A>T]TGCCTCTGAAAAGAGCGGCCCTCCGCATTTGTGCCTCAGCAGCGTGTTTCTTACCACTCT-3'